The following is an entry in ClinVar:

ClinVar aggregate classification (germline): Uncertain significance. Review status: criteria provided, multiple submitters, no conflicts (2 of 4 stars). 2 submissions from 2 submitters: Uncertain significance (2). Last evaluated 2022-01-16.

Conditions:
Cardiovascular phenotype. Identifiers: MedGen CN230736.

gnomAD v4.1: 1 of 1,613,216 alleles (0.000062%); highest among the groups gnomAD compares: African/African-American, 0.0013%; no homozygotes.

Submissions (2):

Labcorp Genetics (formerly Invitae), Labcorp
Classification: Uncertain significance. Last evaluated: 2022-01-16. Review status: criteria provided, single submitter. Criteria: Invitae Variant Classification Sherloc (09022015). Collection method: clinical testing. Allele origin: germline.
Comment: In summary, the available evidence is currently insufficient to determine the role of this variant in disease. Therefore, it has been classified as a Variant of Uncertain Significance. This variant has not been reported in the literature in individuals affected with ALPK3-related conditions. Algorithms developed to predict the effect of missense changes on protein structure and function (SIFT, PolyPhen-2, Align-GVGD) all suggest that this variant is likely to be tolerated. This variant is present in population databases (rs773954985, gnomAD 0.007%). This sequence change replaces threonine, which is neutral and polar, with isoleucine, which is neutral and non-polar, at codon 737 of the ALPK3 protein (p.Thr737Ile).

Ambry Genetics
Classification: Uncertain significance for Cardiovascular phenotype. Last evaluated: 2019-09-10. Review status: criteria provided, single submitter. Criteria: Ambry Variant Classification Scheme 2023. Collection method: clinical testing. Allele origin: germline.
Comment: The p.T737I variant (also known as c.2210C>T), located in coding exon 5 of the ALPK3 gene, results from a C to T substitution at nucleotide position 2210. The threonine at codon 737 is replaced by isoleucine, an amino acid with similar properties. This amino acid position is well conserved in available vertebrate species. In addition, this alteration is predicted to be tolerated by in silico analysis. Since supporting evidence is limited at this time, the clinical significance of this alteration remains unclear.

NM_020778.5(ALPK3):c.1604C>T (p.Thr535Ile)

Genes: ALPK3 (alpha kinase 3; plus strand), LOC111718493 (skeletal muscle cis-regulatory module overlapping ALPK3; plus strand). Cytogenetic location: 15q25.3.
Variant type: single nucleotide variant.
Coding change: c.1604C>T on transcript NM_020778.5 (MANE Select); coding-DNA position 1604, C replaced by T.
Protein change: p.Thr535Ile; replaces threonine 535 with isoleucine.
Molecular consequence: missense variant.
Genome position (GRCh38, 1-based): chr15:84,840,883, C>T. VCF-style: chr15-84840883-C-T. GRCh37 (hg19) VCF-style: chr15-85384114-C-T.
Other names: short protein forms T535I.
Identifiers: ClinVar variation 1787764 (VCV001787764.7), dbSNP rs773954985, ClinGen allele CA7709233.